The following is an entry in ClinVar:

ClinVar aggregate classification (germline): Uncertain significance (1 of 4 stars; one submission).

Submission:

Labcorp Genetics (formerly Invitae), Labcorp
Classification: Uncertain significance. Last evaluated: 2023-12-17. Review status: criteria provided, single submitter. Criteria: Invitae Variant Classification Sherloc (09022015). Collection method: clinical testing. Allele origin: germline.
Comment: This sequence change replaces alanine, which is neutral and non-polar, with glutamic acid, which is acidic and polar, at codon 13 of the ATP1A1 protein (p.Ala13Glu). This variant is not present in population databases (gnomAD no frequency). This variant has not been reported in the literature in individuals affected with ATP1A1-related conditions. Advanced modeling of protein sequence and biophysical properties (such as structural, functional, and spatial information, amino acid conservation, physicochemical variation, residue mobility, and thermodynamic stability) performed at Invitae indicates that this missense variant is not expected to disrupt ATP1A1 protein function with a negative predictive value of 95%. In summary, the available evidence is currently insufficient to determine the role of this variant in disease. Therefore, it has been classified as a Variant of Uncertain Significance.

NM_000701.8(ATP1A1):c.38C>A (p.Ala13Glu)

Gene: ATP1A1 (ATPase Na+/K+ transporting subunit alpha 1; plus strand). Cytogenetic location: 1p13.1.
Variant type: single nucleotide variant.
Coding change: c.38C>A on transcript NM_000701.8 (MANE Select); coding-DNA position 38, C replaced by A.
Protein change: p.Ala13Glu; replaces alanine 13 with glutamic acid.
Molecular consequence: missense variant. On other transcripts: 5 prime UTR variant (1).
Genome position (GRCh38, 1-based): chr1:116,384,039, C>A. VCF-style: chr1-116384039-C-A. GRCh37 (hg19) VCF-style: chr1-116926661-C-A.
Other names: c.38C>A, p.Ala13Glu (NM_001160233.2); c.-56C>A (NM_001160234.2); short protein forms A13E.
Identifiers: ClinVar variation 2783079 (VCV002783079.3), dbSNP rs2525807337, ClinGen allele CA341840216.